The following is an entry in ClinVar:

NM_022455.5(NSD1):c.7366A>G (p.Met2456Val)

Gene: NSD1 (nuclear receptor binding SET domain protein 1; plus strand). Cytogenetic location: 5q35.3.
Variant type: single nucleotide variant.
Coding change: c.7366A>G on transcript NM_022455.5 (MANE Select); coding-DNA position 7366, A replaced by G.
Protein change: p.Met2456Val; replaces methionine 2456 with valine.
Molecular consequence: missense variant.
Genome position (GRCh38, 1-based): chr5:177,294,734, A>G. VCF-style: chr5-177294734-A-G. GRCh37 (hg19) VCF-style: chr5-176721735-A-G.
Other names: c.7366A>G, p.Met2456Val (NM_001409302.1, NM_001409303.1, NM_001409301.1); c.6493A>G, p.Met2165Val (NM_001365684.2, NM_001409308.1, NM_172349.5); c.6946A>G, p.Met2316Val (NM_001409304.1); c.6613A>G, p.Met2205Val (NM_001409305.1); c.6604A>G, p.Met2202Val (NM_001409306.1, NM_001409307.1); c.6244A>G, p.Met2082Val (NM_001409309.1); short protein forms M2205V, M2456V, M2165V, M2202V, M2082V, M2316V.
Identifiers: ClinVar variation 3714942 (VCV003714942.2).

ClinVar aggregate classification (germline): Uncertain significance (1 of 4 stars; one submission).

Submission:

Labcorp Genetics (formerly Invitae), Labcorp
Classification: Uncertain significance. Last evaluated: 2024-03-20. Review status: criteria provided, single submitter. Criteria: Invitae Variant Classification Sherloc (09022015). Collection method: clinical testing. Allele origin: germline.
Comment: This sequence change replaces methionine, which is neutral and non-polar, with valine, which is neutral and non-polar, at codon 2456 of the NSD1 protein (p.Met2456Val). This variant is not present in population databases (gnomAD no frequency). This variant has not been reported in the literature in individuals affected with NSD1-related conditions. Advanced modeling of protein sequence and biophysical properties (such as structural, functional, and spatial information, amino acid conservation, physicochemical variation, residue mobility, and thermodynamic stability) performed at Invitae indicates that this missense variant is not expected to disrupt NSD1 protein function with a negative predictive value of 95%. In summary, the available evidence is currently insufficient to determine the role of this variant in disease. Therefore, it has been classified as a Variant of Uncertain Significance.